The following is an entry in ClinVar:

ClinVar aggregate classification (germline): Pathogenic (1 of 4 stars; one submission).

Conditions:
Oligosynaptic infertility (SPGF1). Also called: OLIGOCHIASMATIC INFERTILITY; SPERMATOGENIC FAILURE 1. Identifiers: MedGen C0403810, MONDO:0009776, OMIM 258150.
46 XY differences of sex development. Also called: 46, XY disorder of sex development (DSD); 46,XY disorder of sex development. Identifiers: Orphanet 98085, MedGen C2751824, MONDO:0020040.

Submission:

Labcorp Genetics (formerly Invitae), Labcorp
Classification: Pathogenic for 46 XY differences of sex development; Oligosynaptic infertility. Last evaluated: 2022-05-29. Review status: criteria provided, single submitter. Criteria: Invitae Variant Classification Sherloc (09022015). Collection method: clinical testing. Allele origin: germline.
Comment: This sequence change creates a premature translational stop signal (p.Cys407*) in the NR5A1 gene. While this is not anticipated to result in nonsense mediated decay, it is expected to disrupt the last 55 amino acid(s) of the NR5A1 protein. This variant is not present in population databases (gnomAD no frequency). This variant has not been reported in the literature in individuals affected with NR5A1-related conditions. This variant disrupts a region of the NR5A1 protein in which other variant(s) (p.Tyr409*) have been determined to be pathogenic (Invitae). This suggests that this is a clinically significant region of the protein, and that variants that disrupt it are likely to be disease-causing. For these reasons, this variant has been classified as Pathogenic.

NM_004959.5(NR5A1):c.1221C>A (p.Cys407Ter)

Gene: NR5A1 (nuclear receptor subfamily 5 group A member 1; minus strand). Cytogenetic location: 9q33.3.
Variant type: single nucleotide variant.
Coding change: c.1221C>A on transcript NM_004959.5 (MANE Select); coding-DNA position 1221, C replaced by A.
Protein change: p.Cys407Ter; replaces cysteine 407 with a stop codon.
Molecular consequence: nonsense.
Genome position (GRCh38, 1-based): chr9:124,482,923, G>T on the plus strand (C>A on the coding strand, the complement: NR5A1 is on the minus strand). VCF-style: chr9-124482923-G-T. GRCh37 (hg19) VCF-style: chr9-127245202-G-T.
Other names: short protein forms C407*.
Identifiers: ClinVar variation 2000749 (VCV002000749.4), dbSNP rs2538665084, ClinGen allele CA374878730.